The following is an entry in ClinVar:

ClinVar aggregate classification (germline): Uncertain significance (1 of 4 stars; one submission).

Conditions:
Epidermolysis bullosa simplex with nail dystrophy (EBS5D). Identifiers: MedGen C4225309, MONDO:0014661, OMIM 616487.
Epidermolysis bullosa simplex, Ogna type (EBS5A). Also called: EPIDERMOLYSIS BULLOSA SIMPLEX 5A, OGNA TYPE; Pidermolysis bullosa simplex 5A, Ogna type. Identifiers: Orphanet 79401, MedGen C0432317, MONDO:0007555, OMIM 131950.
Autosomal recessive limb-girdle muscular dystrophy type 2Q (LGMDR17). Also called: MUSCULAR DYSTROPHY, LIMB-GIRDLE, AUTOSOMAL RECESSIVE 17. Identifiers: Orphanet 254361, MedGen C3150989, MONDO:0013390, OMIM 613723.
Epidermolysis bullosa simplex 5B, with muscular dystrophy (EBS5B). Also called: EPIDERMOLYSIS BULLOSA SIMPLEX AND LIMB-GIRDLE MUSCULAR DYSTROPHY; Epidermolysis bullosa simplex with muscular dystrophy. Identifiers: Orphanet 257, MedGen C2931072, MONDO:0009181, OMIM 226670.
Epidermolysis bullosa simplex 5C, with pyloric atresia (EBS5C). Also called: PLEC1-Related Epidermolysis Bullosa with Pyloric Atresia; PLEC-Related Epidermolysis Bullosa with Pyloric Atresia; Epidermolysis bullosa simplex with pyloric atresia. Identifiers: Orphanet 158684, MedGen C2677349, MONDO:0012807, OMIM 612138.

gnomAD v4.1: 8 of 1,573,602 alleles (0.00051%); highest among the groups gnomAD compares: Non-Finnish European, 0.00068%; no homozygotes.

Submission:

Labcorp Genetics (formerly Invitae), Labcorp
Classification: Uncertain significance for Autosomal recessive limb-girdle muscular dystrophy type 2Q; Epidermolysis bullosa simplex, Ogna type; Epidermolysis bullosa simplex with nail dystrophy; Epidermolysis bullosa simplex 5C, with pyloric atresia; Epidermolysis bullosa simplex 5B, with muscular dystrophy. Last evaluated: 2024-07-23. Review status: criteria provided, single submitter. Criteria: Invitae Variant Classification Sherloc (09022015). Collection method: clinical testing. Allele origin: germline.
Comment: This sequence change replaces alanine, which is neutral and non-polar, with glutamic acid, which is acidic and polar, at codon 1858 of the PLEC protein (p.Ala1858Glu). This variant is not present in population databases (gnomAD no frequency). This variant has not been reported in the literature in individuals affected with PLEC-related conditions. Experimental studies and prediction algorithms are not available or were not evaluated, and the functional significance of this variant is currently unknown. In summary, the available evidence is currently insufficient to determine the role of this variant in disease. Therefore, it has been classified as a Variant of Uncertain Significance.

NM_201384.3(PLEC):c.5492C>A (p.Ala1831Glu)

Gene: PLEC (plectin; minus strand). Cytogenetic location: 8q24.3.
Variant type: single nucleotide variant.
Coding change: c.5492C>A on transcript NM_201384.3 (MANE Select); coding-DNA position 5492, C replaced by A.
Protein change: p.Ala1831Glu; replaces alanine 1831 with glutamic acid.
Molecular consequence: missense variant. On other transcripts: intron variant (1).
Genome position (GRCh38, 1-based): chr8:143,924,437, G>T on the plus strand (C>A on the coding strand, the complement: PLEC is on the minus strand). VCF-style: chr8-143924437-G-T. GRCh37 (hg19) VCF-style: chr8-144998605-G-T.
Other names: c.5573C>A, p.Ala1858Glu (NM_000445.5); c.5450C>A, p.Ala1817Glu (NM_201378.4); c.5426C>A, p.Ala1809Glu (NM_201379.3); c.5903C>A, p.Ala1968Glu (NM_201380.4); c.5396C>A, p.Ala1799Glu (NM_201381.3); c.5492C>A, p.Ala1831Glu (NM_201382.4); c.5504C>A, p.Ala1835Glu (NM_201383.3); c.4126-2042C>A (NM_001410941.1); short protein forms A1799E, A1809E, A1817E, A1831E, A1835E, A1858E, A1968E.
Identifiers: ClinVar variation 3761369 (VCV003761369.2).